The following is an entry in ClinVar:

ClinVar aggregate classification (germline): Uncertain significance (1 of 4 stars; one submission).

Submission:

Labcorp Genetics (formerly Invitae), Labcorp
Classification: Uncertain significance. Last evaluated: 2022-09-20. Review status: criteria provided, single submitter. Criteria: Invitae Variant Classification Sherloc (09022015). Collection method: clinical testing. Allele origin: germline.
Comment: In summary, the available evidence is currently insufficient to determine the role of this variant in disease. Therefore, it has been classified as a Variant of Uncertain Significance. This sequence change replaces asparagine, which is neutral and polar, with histidine, which is basic and polar, at codon 175 of the ALPK1 protein (p.Asn175His). Advanced modeling of protein sequence and biophysical properties (such as structural, functional, and spatial information, amino acid conservation, physicochemical variation, residue mobility, and thermodynamic stability) performed at Invitae indicates that this missense variant is not expected to disrupt ALPK1 protein function. This variant has not been reported in the literature in individuals affected with ALPK1-related conditions. This variant is not present in population databases (gnomAD no frequency).

NM_025144.4(ALPK1):c.523A>C (p.Asn175His)

Gene: ALPK1 (alpha kinase 1; plus strand). Cytogenetic location: 4q25.
Variant type: single nucleotide variant.
Coding change: c.523A>C on transcript NM_025144.4 (MANE Select); coding-DNA position 523, A replaced by C.
Protein change: p.Asn175His; replaces asparagine 175 with histidine.
Molecular consequence: missense variant.
Genome position (GRCh38, 1-based): chr4:112,423,991, A>C. VCF-style: chr4-112423991-A-C. GRCh37 (hg19) VCF-style: chr4-113345147-A-C.
Other names: c.523A>C, p.Asn175His (NM_001102406.2); c.289A>C, p.Asn97His (NM_001253884.2); short protein forms N175H, N97H.
Identifiers: ClinVar variation 1719886 (VCV001719886.5), dbSNP rs6533616, ClinGen allele CA357886885.